The following is an entry in ClinVar:

ClinVar aggregate classification (germline): Uncertain significance (1 of 4 stars; one submission).

Conditions:
Familial adenomatous polyposis 2. Also called: MUTYH-associated polyposis; Adenomas, multiple colorectal; COLORECTAL ADENOMATOUS POLYPOSIS, AUTOSOMAL RECESSIVE; ADENOMAS, MULTIPLE COLORECTAL, AUTOSOMAL RECESSIVE; MUTYH-related attenuated familial adenomatous polyposis; MYH-associated polyposis. Identifiers: Orphanet 220460, Orphanet 247798, MedGen C3272841, MONDO:0012041, OMIM 608456.

Submission:

Labcorp Genetics (formerly Invitae), Labcorp
Classification: Uncertain significance for Familial adenomatous polyposis 2. Last evaluated: 2023-07-22. Review status: criteria provided, single submitter. Criteria: Invitae Variant Classification Sherloc (09022015). Collection method: clinical testing. Allele origin: germline.
Comment: This sequence change replaces aspartic acid, which is acidic and polar, with asparagine, which is neutral and polar, at codon 271 of the MUTYH protein (p.Asp271Asn). This variant is not present in population databases (gnomAD no frequency). This variant has not been reported in the literature in individuals affected with MUTYH-related conditions. An algorithm developed to predict the effect of missense changes on protein structure and function (PolyPhen-2) suggests that this variant is likely to be disruptive. In summary, the available evidence is currently insufficient to determine the role of this variant in disease. Therefore, it has been classified as a Variant of Uncertain Significance.

NM_001048174.2(MUTYH):c.727G>A (p.Asp243Asn)

Gene: MUTYH (mutY DNA glycosylase; minus strand). Cytogenetic location: 1p34.1.
Variant type: single nucleotide variant.
Coding change: c.727G>A on transcript NM_001048174.2 (MANE Select); coding-DNA position 727, G replaced by A.
Protein change: p.Asp243Asn; replaces aspartic acid 243 with asparagine.
Molecular consequence: missense variant. On other transcripts: non-coding transcript variant (7).
Genome position (GRCh38, 1-based): chr1:45,332,288, C>T on the plus strand (G>A on the coding strand, the complement: MUTYH is on the minus strand). VCF-style: chr1-45332288-C-T. GRCh37 (hg19) VCF-style: chr1-45797960-C-T.
Other names: c.727G>A, p.Asp243Asn (NM_001048171.2, NM_001048173.2, NM_001293195.2 and 6 more transcripts); c.730G>A, p.Asp244Asn (NM_001048172.2, NM_001407078.1, NM_001407086.1 and 1 more transcripts); c.811G>A, p.Asp271Asn (NM_001128425.2); c.772G>A, p.Asp258Asn (NM_001293190.2); c.760G>A, p.Asp254Asn (NM_001293191.2, NM_001407069.1, NM_001407077.1); c.451G>A, p.Asp151Asn (NM_001293192.2, NM_001407091.1, NM_001293196.2); c.688G>A, p.Asp230Asn (NM_001407079.1); c.685G>A, p.Asp229Asn (NM_001407080.1); and 5 more; short protein forms D151N, D244N, D254N, D229N, D230N, D243N, D258N, D271N.
Identifiers: ClinVar variation 2745806 (VCV002745806.3), dbSNP rs2149140385, ClinGen allele CA340134687.